The following is an entry in ClinVar:

NM_007194.4(CHEK2):c.884A>G (p.Glu295Gly)

Gene: CHEK2 (checkpoint kinase 2; minus strand). Cytogenetic location: 22q12.1.
Variant type: single nucleotide variant.
Coding change: c.884A>G on transcript NM_007194.4 (MANE Select); coding-DNA position 884, A replaced by G.
Protein change: p.Glu295Gly; replaces glutamic acid 295 with glycine.
Molecular consequence: missense variant.
Genome position (GRCh38, 1-based): chr22:28,703,529, T>C on the plus strand (A>G on the coding strand, the complement: CHEK2 is on the minus strand). VCF-style: chr22-28703529-T-C. GRCh37 (hg19) VCF-style: chr22-29099517-T-C.
Other names: c.1013A>G, p.Glu338Gly (NM_001005735.3); c.221A>G, p.Glu74Gly (NM_001257387.3); c.683A>G, p.Glu228Gly (NM_001349956.3); c.884A>G, p.Glu295Gly (NM_145862.3); short protein forms E295G, E228G, E338G, E74G.
Identifiers: ClinVar variation 483375 (VCV000483375.16), dbSNP rs751136808, ClinGen allele CA411101093.

ClinVar aggregate classification (germline): Uncertain significance. Review status: criteria provided, multiple submitters, no conflicts (2 of 4 stars). 2 submissions from 2 submitters: Uncertain significance (2). Last evaluated 2024-07-10.

Conditions:
Hereditary cancer-predisposing syndrome. Also called: Neoplastic Syndromes, Hereditary; Tumor predisposition; Hereditary Cancer Syndrome; Hereditary neoplastic syndrome. Identifiers: Orphanet 140162, MedGen C0027672, MeSH D009386, MONDO:0015356.
Familial cancer of breast. Also called: BREAST CANCER, FAMILIAL; Hereditary breast cancer; hereditary breast carcinoma. Identifiers: Orphanet 227535, MedGen C0346153, MONDO:0016419, OMIM 114480. Disease mechanism: loss of function.

Submissions (2):

Labcorp Genetics (formerly Invitae), Labcorp
Classification: Uncertain significance for Familial cancer of breast. Last evaluated: 2024-07-10. Review status: criteria provided, single submitter. Criteria: Invitae Variant Classification Sherloc (09022015). Collection method: clinical testing. Allele origin: germline.
Comment: This sequence change replaces glutamic acid, which is acidic and polar, with glycine, which is neutral and non-polar, at codon 295 of the CHEK2 protein (p.Glu295Gly). This variant is not present in population databases (gnomAD no frequency). This variant has not been reported in the literature in individuals affected with CHEK2-related conditions. ClinVar contains an entry for this variant (Variation ID: 483375). An algorithm developed to predict the effect of missense changes on protein structure and function (PolyPhen-2) suggests that this variant is likely to be tolerated. In summary, the available evidence is currently insufficient to determine the role of this variant in disease. Therefore, it has been classified as a Variant of Uncertain Significance.

Ambry Genetics
Classification: Uncertain significance for Hereditary cancer-predisposing syndrome. Last evaluated: 2016-10-13. Review status: criteria provided, single submitter. Criteria: Ambry Variant Classification Scheme 2023. Collection method: clinical testing. Allele origin: germline.
Comment: The p.E295G variant (also known as c.884A>G), located in coding exon 7 of the CHEK2 gene, results from an A to G substitution at nucleotide position 884. The glutamic acid at codon 295 is replaced by glycine, an amino acid with similar properties. This variant was not reported in population based cohorts in the following databases: Database of Single Nucleotide Polymorphisms (dbSNP), NHLBI Exome Sequencing Project (ESP), and 1000 Genomes Project. In the ESP, this variant was not observed in 6494 samples (12988 alleles) with coverage at this position. To date, this alteration has been detected with an allele frequency of approximately 0.001% (greater than 200000 alleles tested) in our clinical cohort. This amino acid position is highly conserved in available vertebrate species. In addition, the in silico prediction for this alteration is inconclusive. Since supporting evidence is limited at this time, the clinical significance of this alteration remains unclear.